The following is an entry in ClinVar:

ClinVar aggregate classification (germline): Uncertain significance (1 of 4 stars; one submission).

Allele frequency attached by ClinVar (database versions not stated): gnomAD exomes below 0.00001.
gnomAD v4.1: 1 of 1,614,086 alleles (0.000062%); highest among the groups gnomAD compares: Non-Finnish European, 0.000085%; no homozygotes.

Submission:

Labcorp Genetics (formerly Invitae), Labcorp
Classification: Uncertain significance. Last evaluated: 2023-01-28. Review status: criteria provided, single submitter. Criteria: Invitae Variant Classification Sherloc (09022015). Collection method: clinical testing. Allele origin: germline.
Comment: In summary, the available evidence is currently insufficient to determine the role of this variant in disease. Therefore, it has been classified as a Variant of Uncertain Significance. Advanced modeling of protein sequence and biophysical properties (such as structural, functional, and spatial information, amino acid conservation, physicochemical variation, residue mobility, and thermodynamic stability) performed at Invitae indicates that this missense variant is not expected to disrupt ALPK1 protein function. This variant has not been reported in the literature in individuals affected with ALPK1-related conditions. This variant is not present in population databases (gnomAD no frequency). This sequence change replaces isoleucine, which is neutral and non-polar, with threonine, which is neutral and polar, at codon 896 of the ALPK1 protein (p.Ile896Thr).

NM_025144.4(ALPK1):c.2687T>C (p.Ile896Thr)

Gene: ALPK1 (alpha kinase 1; plus strand). Cytogenetic location: 4q25.
Variant type: single nucleotide variant.
Coding change: c.2687T>C on transcript NM_025144.4 (MANE Select); coding-DNA position 2687, T replaced by C.
Protein change: p.Ile896Thr; replaces isoleucine 896 with threonine.
Molecular consequence: missense variant.
Genome position (GRCh38, 1-based): chr4:112,432,234, T>C. VCF-style: chr4-112432234-T-C. GRCh37 (hg19) VCF-style: chr4-113353390-T-C.
Other names: c.2687T>C, p.Ile896Thr (NM_001102406.2); c.2453T>C, p.Ile818Thr (NM_001253884.2); short protein forms I896T, I818T.
Identifiers: ClinVar variation 2832522 (VCV002832522.3), dbSNP rs2476506858, ClinGen allele CA357901449.